The following is an entry in ClinVar:

NM_001939.3(DRP2):c.2231C>T (p.Ser744Phe)

Gene: DRP2 (dystrophin related protein 2; plus strand). Cytogenetic location: Xq22.1.
Variant type: single nucleotide variant.
Coding change: c.2231C>T on transcript NM_001939.3 (MANE Select); coding-DNA position 2231, C replaced by T.
Protein change: p.Ser744Phe; replaces serine 744 with phenylalanine.
Molecular consequence: missense variant.
Genome position (GRCh38, 1-based): chrX:101,255,234, C>T. VCF-style: chrX-101255234-C-T. GRCh37 (hg19) VCF-style: chrX-100510223-C-T.
Other names: c.1997C>T, p.Ser666Phe (NM_001171184.2); short protein forms S744F, S666F.
Identifiers: ClinVar variation 3713494 (VCV003713494.2).

ClinVar aggregate classification (germline): Uncertain significance (1 of 4 stars; one submission).

Submission:

Labcorp Genetics (formerly Invitae), Labcorp
Classification: Uncertain significance. Last evaluated: 2024-10-10. Review status: criteria provided, single submitter. Criteria: Invitae Variant Classification Sherloc (09022015). Collection method: clinical testing. Allele origin: germline.
Comment: This sequence change replaces serine, which is neutral and polar, with phenylalanine, which is neutral and non-polar, at codon 744 of the DRP2 protein (p.Ser744Phe). This variant is present in population databases (no rsID available, gnomAD 0.005%). This variant has not been reported in the literature in individuals affected with DRP2-related conditions. Invitae Evidence Modeling of protein sequence and biophysical properties (such as structural, functional, and spatial information, amino acid conservation, physicochemical variation, residue mobility, and thermodynamic stability) has been performed for this missense variant. However, the output from this modeling did not meet the statistical confidence thresholds required to predict the impact of this variant on DRP2 protein function. In summary, the available evidence is currently insufficient to determine the role of this variant in disease. Therefore, it has been classified as a Variant of Uncertain Significance.